The following is an entry in ClinVar:

NM_020297.4(ABCC9):c.817-17C>T

Gene: ABCC9 (ATP binding cassette subfamily C member 9; minus strand). Cytogenetic location: 12p12.1.
Variant type: single nucleotide variant.
Coding change: c.817-17C>T on transcript NM_020297.4 (MANE Select); 17 bases into the intron before coding-DNA position 817, C replaced by T.
Molecular consequence: intron variant.
Genome position (GRCh38, 1-based): chr12:21,913,083, G>A on the plus strand (C>T on the coding strand, the complement: ABCC9 is on the minus strand). VCF-style: chr12-21913083-G-A. GRCh37 (hg19) VCF-style: chr12-22066017-G-A.
Other names: c.-48-17C>T (NM_001377274.1); c.817-17C>T (NM_005691.4, NM_001377273.1).
Identifiers: ClinVar variation 136248 (VCV000136248.8), dbSNP rs76350525, ClinGen allele CA289231.
Genomic context (GRCh38, chr12:21,913,083, plus strand): 5'-AGCCATATAGATGGAGTCCGATTTGGATGATCTGCAACTTTTTTCTGAAGAAAAAAAAAA[G>A]AAAAAAAAAACAGATGTAACAAAATAAAACTGCTTAGAGCAGTAACTAATCTCATGTATG-3'

ClinVar aggregate classification (germline): Benign/Likely benign. Review status: criteria provided, multiple submitters, no conflicts (2 of 4 stars). 2 submissions from 2 submitters: Benign (1); Likely benign (1). Last evaluated 2026-01-11.

Conditions:
Dilated cardiomyopathy 1O (CMD1O). Also called: CARDIOMYOPATHY, DILATED, WITH VENTRICULAR TACHYCARDIA. Identifiers: Orphanet 154, MedGen C1837839, MONDO:0012062, OMIM 608569.

Allele frequency attached by ClinVar (database versions not stated): ExAC 0.00015; gnomAD exomes 0.00099.

Submissions (2):

Labcorp Genetics (formerly Invitae), Labcorp
Classification: Likely benign for Dilated cardiomyopathy 1O. Last evaluated: 2026-01-11. Review status: criteria provided, single submitter. Criteria: Invitae Variant Classification Sherloc (09022015). Collection method: clinical testing. Allele origin: germline.

GeneDx
Classification: Benign. Last evaluated: 2014-01-17. Review status: criteria provided, single submitter. Criteria: GeneDx Variant Classification (06012015). Collection method: clinical testing. Allele origin: germline. Affected: yes.
Comment: This variant is considered likely benign or benign based on one or more of the following criteria: it is a conservative change, it occurs at a poorly conserved position in the protein, it is predicted to be benign by multiple in silico algorithms, and/or has population frequency not consistent with disease.